The following is an entry in ClinVar:

NM_000548.5(TSC2):c.244_255del (p.Trp82_Val85del)

Gene: TSC2 (TSC complex subunit 2; plus strand). Cytogenetic location: 16p13.3.
Variant type: Deletion.
Coding change: c.244_255del on transcript NM_000548.5 (MANE Select); coding-DNA positions 244 to 255, 12 bases deleted (TGGAAGGCGGTC).
Protein change: p.Trp82_Val85del.
Molecular consequence: inframe deletion. On other transcripts: 5 prime UTR variant (14), non-coding transcript variant (5), intron variant (9), inframe indel (1).
Genome position (GRCh38, 1-based): chr16:2,053,360-2,053,371, TGGAAGGCGGTC deleted; deleting any 12 consecutive bases within chr16:2,053,358-2,053,371 gives the same sequence; the c. name uses the placement nearest the transcript's 3' end. VCF-style (leftmost placement, unchanged base first): chr16-2053357-CTCTGGAAGGCGG-C. GRCh37 (hg19) VCF-style: chr16-2103358-CTCTGGAAGGCGG-C.
Other names: c.244_255del, p.Trp82_Val85del (NM_001077183.3, NM_001114382.3, NM_001363528.2 and 10 more transcripts); c.97_108del, p.Trp33_Val36del (NM_001318829.2, NM_001406675.1, NM_001406676.1 and 2 more transcripts); c.277_288del, p.Trp93_Val96del (NM_001318832.2); c.-573_-562del (NM_001406680.1, NM_001406683.1, NM_001406687.1); c.-202_-191del (NM_001406681.1); c.-1188_-1177del (NM_001406689.1, NM_001406690.1, NM_001406691.1 and 2 more transcripts); c.-1494_-1483del (NM_001406693.1); c.-1069_-1058del (NM_001406694.1, NM_001406695.1); and 5 more.
Identifiers: ClinVar variation 2449961 (VCV002449961.2), dbSNP rs2548396490, ClinGen allele CA2580090614.

ClinVar aggregate classification (germline): Uncertain significance (1 of 4 stars; one submission).

Conditions:
Hereditary cancer-predisposing syndrome. Also called: Neoplastic Syndromes, Hereditary; Tumor predisposition; Hereditary neoplastic syndrome; Hereditary Cancer Syndrome. Identifiers: Orphanet 140162, MedGen C0027672, MeSH D009386, MONDO:0015356.

Submission:

Ambry Genetics
Classification: Uncertain significance for Hereditary cancer-predisposing syndrome. Last evaluated: 2022-12-15. Review status: criteria provided, single submitter. Criteria: Ambry Variant Classification Scheme 2023. Collection method: clinical testing. Allele origin: germline.
Comment: The c.244_255del12 variant (also known as p.W82_V85del) is located in coding exon 3 of the TSC2 gene. This variant results from an in-frame TGGAAGGCGGTC deletion at nucleotide positions 244 to 255. This results in the in-frame deletion of four amino acid residues at codons 82-85. This amino acid region is well conserved in available vertebrate species. This variant is considered to be rare based on population cohorts in the Genome Aggregation Database (gnomAD). In addition, this alteration is predicted to be deleterious by in silico analysis (Choi Y et al. PLoS ONE. 2012; 7(10):e46688). Since supporting evidence is limited at this time, the clinical significance of this alteration remains unclear.